The following is an entry in ClinVar:

ClinVar aggregate classification (germline): Conflicting classifications of pathogenicity. Review status: criteria provided, conflicting classifications (1 of 4 stars). 2 submissions from 2 submitters: Uncertain significance (1); Likely benign (1). Last evaluated 2024-03-15.

Conditions:
Inborn genetic diseases. Identifiers: MedGen C0950123, MeSH D030342.

Allele frequency attached by ClinVar (database versions not stated): gnomAD exomes 0.00001 and 0.00008; gnomAD 0.00002 and 0.00005; ExAC 0.00005; ESP Exome Variant Server 0.00008; 1000 Genomes Project 30x 0.00062; 1000 Genomes Project 0.00080.
gnomAD v4.1: 29 of 1,589,428 alleles (0.0018%); highest among the groups gnomAD compares: East Asian, 0.061%; 1 homozygote.

Submissions (2):

Ambry Genetics
Classification: Likely benign for Inborn genetic diseases. Last evaluated: 2024-03-15. Review status: criteria provided, single submitter. Criteria: Ambry Variant Classification Scheme 2023. Collection method: clinical testing. Allele origin: germline.

Labcorp Genetics (formerly Invitae), Labcorp
Classification: Uncertain significance. Last evaluated: 2023-08-10. Review status: criteria provided, single submitter. Criteria: Invitae Variant Classification Sherloc (09022015). Collection method: clinical testing. Allele origin: germline.
Comment: This variant has not been reported in the literature in individuals affected with CEP135-related conditions. This sequence change replaces arginine, which is basic and polar, with lysine, which is basic and polar, at codon 579 of the CEP135 protein (p.Arg579Lys). This variant is present in population databases (rs372519963, gnomAD 0.08%). ClinVar contains an entry for this variant (Variation ID: 1472108). An algorithm developed to predict the effect of missense changes on protein structure and function (PolyPhen-2) suggests that this variant is likely to be disruptive. In summary, the available evidence is currently insufficient to determine the role of this variant in disease. Therefore, it has been classified as a Variant of Uncertain Significance.

NM_025009.5(CEP135):c.1736G>A (p.Arg579Lys)

Gene: CEP135 (centrosomal protein 135; plus strand). Cytogenetic location: 4q12.
Variant type: single nucleotide variant.
Coding change: c.1736G>A on transcript NM_025009.5 (MANE Select); coding-DNA position 1736, G replaced by A.
Protein change: p.Arg579Lys; replaces arginine 579 with lysine.
Molecular consequence: missense variant.
Genome position (GRCh38, 1-based): chr4:55,981,336, G>A. VCF-style: chr4-55981336-G-A. GRCh37 (hg19) VCF-style: chr4-56847502-G-A.
Other names: c.1736G>A (NM_025009.3); short protein forms R579K.
Identifiers: ClinVar variation 1472108 (VCV001472108.9), dbSNP rs372519963, ClinGen allele CA2927941.